The following is an entry in ClinVar:

ClinVar aggregate classification (germline): Uncertain significance. Review status: criteria provided, multiple submitters, no conflicts (2 of 4 stars). 4 submissions from 4 submitters: Uncertain significance (3). 1 of the submissions does not count toward it. Last evaluated 2023-12-11.

Conditions:
PEX16-related disorder. Also called: PEX16-related condition.
Peroxisome biogenesis disorder. Identifiers: Orphanet 79189, MedGen C1832200, MONDO:0019234. Disease mechanism: loss of function.

Allele frequency attached by ClinVar (database versions not stated): gnomAD 0.00001; TOPMed 0.00001.
gnomAD v4.1: 19 of 1,614,000 alleles (0.0012%); highest among the groups gnomAD compares: East Asian, 0.0022%; no homozygotes.

Submissions (4):

Labcorp Genetics (formerly Invitae), Labcorp
Classification: Uncertain significance for Peroxisome biogenesis disorder. Last evaluated: 2023-12-11. Review status: criteria provided, single submitter. Criteria: Invitae Variant Classification Sherloc (09022015). Collection method: clinical testing. Allele origin: germline.
Comment: This sequence change replaces arginine, which is basic and polar, with tryptophan, which is neutral and slightly polar, at codon 124 of the PEX16 protein (p.Arg124Trp). This variant is present in population databases (rs754748410, gnomAD 0.005%). This variant has not been reported in the literature in individuals affected with PEX16-related conditions. ClinVar contains an entry for this variant (Variation ID: 283133). Advanced modeling of protein sequence and biophysical properties (such as structural, functional, and spatial information, amino acid conservation, physicochemical variation, residue mobility, and thermodynamic stability) performed at Invitae indicates that this missense variant is expected to disrupt PEX16 protein function with a positive predictive value of 80%. In summary, the available evidence is currently insufficient to determine the role of this variant in disease. Therefore, it has been classified as a Variant of Uncertain Significance.

CeGaT Center for Human Genetics Tuebingen
Classification: Uncertain significance. Last evaluated: 2017-11-01. Review status: criteria provided, single submitter. Criteria: CeGaT Center For Human Genetics Tuebingen Variant Classification Criteria Version 2. Collection method: clinical testing. Allele origin: germline. Affected: yes. Observed: 1 variant allele.

Eurofins Ntd Llc (ga)
Classification: Uncertain significance. Last evaluated: 2015-09-09. Review status: criteria provided, single submitter. Criteria: EGL Classification Definitions 2015. Collection method: clinical testing. Allele origin: germline. Observed: 1 variant allele, 1 heterozygote.

PreventionGenetics, part of Exact Sciences
Classification: Uncertain significance for PEX16-related condition. Last evaluated: 2024-09-17. Review status: no assertion criteria provided. Collection method: clinical testing. Allele origin: germline. Not counted in ClinVar's aggregate classification.
Comment: The PEX16 c.370C>T variant is predicted to result in the amino acid substitution p.Arg124Trp. To our knowledge, this variant has not been reported in the literature. This variant is reported in 0.0050% of alleles in individuals of East Asian descent in gnomAD. At this time, the clinical significance of this variant is uncertain due to the absence of conclusive functional and genetic evidence.

NM_004813.4(PEX16):c.370C>T (p.Arg124Trp)

Gene: PEX16 (peroxisomal biogenesis factor 16; minus strand). Cytogenetic location: 11p11.2.
Variant type: single nucleotide variant.
Coding change: c.370C>T on transcript NM_004813.4 (MANE Select); coding-DNA position 370, C replaced by T.
Protein change: p.Arg124Trp; replaces arginine 124 with tryptophan.
Molecular consequence: missense variant.
Genome position (GRCh38, 1-based): chr11:45,915,558, G>A on the plus strand (C>T on the coding strand, the complement: PEX16 is on the minus strand). VCF-style: chr11-45915558-G-A. GRCh37 (hg19) VCF-style: chr11-45937109-G-A.
Other names: c.370C>T, p.Arg124Trp (NM_057174.3); c.370C>T (NM_004813.2); short protein forms R124W.
Identifiers: ClinVar variation 283133 (VCV000283133.52), dbSNP rs754748410, ClinGen allele CA5959986.